The following is an entry in ClinVar:

ClinVar aggregate classification (germline): Likely benign (0 of 4 stars; one submission).

Conditions:
PKD1-related disorder. Also called: PKD1-related condition.

Allele frequency attached by ClinVar (database versions not stated): TOPMed below 0.00001; gnomAD 0.00001; gnomAD exomes 0.00001.
gnomAD v4.1: 19 of 1,561,670 alleles (0.0012%); highest among the groups gnomAD compares: East Asian, 0.0095%; no homozygotes.

Submission:

PreventionGenetics, part of Exact Sciences
Classification: Likely benign for PKD1-related condition. Last evaluated: 2021-03-31. Review status: no assertion criteria provided. Collection method: clinical testing. Allele origin: germline.
Comment: This variant is classified as likely benign based on ACMG/AMP sequence variant interpretation guidelines (Richards et al. 2015 PMID: 25741868, with internal and published modifications).

NM_001009944.3(PKD1):c.9852C>T (p.Cys3284=)

Gene: PKD1 (polycystin 1, transient receptor potential channel interacting; minus strand). Cytogenetic location: 16p13.3.
Variant type: single nucleotide variant.
Coding change: c.9852C>T on transcript NM_001009944.3 (MANE Select); coding-DNA position 9852, C replaced by T.
Protein change: p.Cys3284=; no amino-acid change (cysteine 3284 retained).
Molecular consequence: synonymous variant.
Genome position (GRCh38, 1-based): chr16:2,099,932, G>A on the plus strand (C>T on the coding strand, the complement: PKD1 is on the minus strand). VCF-style: chr16-2099932-G-A. GRCh37 (hg19) VCF-style: chr16-2149933-G-A.
Other names: c.9852C>T, p.Cys3284= (NM_000296.4).
Identifiers: ClinVar variation 3054383 (VCV003054383.2), dbSNP rs1311808274, ClinGen allele CA493045665.